The following is an entry in ClinVar:

ClinVar aggregate classification (germline): Uncertain significance. Review status: criteria provided, multiple submitters, no conflicts (2 of 4 stars). 2 submissions from 2 submitters: Uncertain significance (2). Last evaluated 2020-10-01.

Conditions:
Epileptic encephalopathy. Identifiers: MedGen C0543888, HP:0200134.

Allele frequency attached by ClinVar (database versions not stated): TOPMed 0.00001; 1000 Genomes Project 30x 0.00016; 1000 Genomes Project 0.00020.
gnomAD v4.1: 31 of 1,613,488 alleles (0.0019%); highest among the groups gnomAD compares: Middle Eastern, 0.033%; no homozygotes.

Submissions (2):

Labcorp Genetics (formerly Invitae), Labcorp
Classification: Uncertain significance for Epileptic encephalopathy. Last evaluated: 2020-10-01. Review status: criteria provided, single submitter. Criteria: Invitae Variant Classification Sherloc (09022015). Collection method: clinical testing. Allele origin: germline.
Comment: This sequence change replaces arginine with glutamine at codon 2980 of the RYR3 protein (p.Arg2980Gln). The arginine residue is highly conserved and there is a small physicochemical difference between arginine and glutamine. This variant is present in population databases (rs200346049, ExAC 0.05%). This variant has not been reported in the literature in individuals with RYR3-related conditions. Algorithms developed to predict the effect of missense changes on protein structure and function are either unavailable or do not agree on the potential impact of this missense change (SIFT: "Deleterious"; PolyPhen-2: "Benign"; Align-GVGD: "Class C0"). In summary, the available evidence is currently insufficient to determine the role of this variant in disease. Therefore, it has been classified as a Variant of Uncertain Significance.

Breakthrough Genomics
Classification: Uncertain significance. Review status: criteria provided, single submitter. Criteria: ACMG Guidelines, 2015. Collection method: not provided. Allele origin: germline. Inheritance: Unknown mechanism. Affected: yes.

NM_001036.6(RYR3):c.8939G>A (p.Arg2980Gln)

Gene: RYR3 (ryanodine receptor 3; plus strand). Cytogenetic location: 15q14.
Variant type: single nucleotide variant.
Coding change: c.8939G>A on transcript NM_001036.6 (MANE Select); coding-DNA position 8939, G replaced by A.
Protein change: p.Arg2980Gln; replaces arginine 2980 with glutamine.
Molecular consequence: missense variant.
Genome position (GRCh38, 1-based): chr15:33,772,042, G>A. VCF-style: chr15-33772042-G-A. GRCh37 (hg19) VCF-style: chr15-34064243-G-A.
Other names: c.8939G>A, p.Arg2980Gln (NM_001243996.4); short protein forms R2980Q.
Identifiers: ClinVar variation 1005349 (VCV001005349.9), dbSNP rs200346049, ClinGen allele CA7460367.